The following is an entry in ClinVar:

ClinVar aggregate classification (germline): Uncertain significance (1 of 4 stars; one submission).

Conditions:
Familial cancer of breast. Also called: BREAST CANCER, FAMILIAL; Hereditary breast cancer; hereditary breast carcinoma. Identifiers: Orphanet 227535, MedGen C0346153, MONDO:0016419, OMIM 114480. Disease mechanism: loss of function.
Fanconi anemia complementation group J. Also called: BRIP1-Related Fanconi Anemia. Identifiers: Orphanet 84, MedGen C1836860, MONDO:0012187, OMIM 609054.

Submission:

Labcorp Genetics (formerly Invitae), Labcorp
Classification: Uncertain significance for Familial cancer of breast; Fanconi anemia complementation group J. Last evaluated: 2022-09-15. Review status: criteria provided, single submitter. Criteria: Invitae Variant Classification Sherloc (09022015). Collection method: clinical testing. Allele origin: germline.
Comment: This sequence change replaces lysine, which is basic and polar, with glutamic acid, which is acidic and polar, at codon 703 of the BRIP1 protein (p.Lys703Glu). This variant is not present in population databases (gnomAD no frequency). This variant has not been reported in the literature in individuals affected with BRIP1-related conditions. Advanced modeling of protein sequence and biophysical properties (such as structural, functional, and spatial information, amino acid conservation, physicochemical variation, residue mobility, and thermodynamic stability) performed at Invitae indicates that this missense variant is expected to disrupt BRIP1 protein function. In summary, the available evidence is currently insufficient to determine the role of this variant in disease. Therefore, it has been classified as a Variant of Uncertain Significance.

NM_032043.3(BRIP1):c.2107A>G (p.Lys703Glu)

Gene: BRIP1 (BRCA1 interacting DNA helicase 1; minus strand). Cytogenetic location: 17q23.2.
Variant type: single nucleotide variant.
Coding change: c.2107A>G on transcript NM_032043.3 (MANE Select); coding-DNA position 2107, A replaced by G.
Protein change: p.Lys703Glu; replaces lysine 703 with glutamic acid.
Molecular consequence: missense variant.
Genome position (GRCh38, 1-based): chr17:61,744,582, T>C on the plus strand (A>G on the coding strand, the complement: BRIP1 is on the minus strand). VCF-style: chr17-61744582-T-C. GRCh37 (hg19) VCF-style: chr17-59821943-T-C.
Other names: short protein forms K703E.
Identifiers: ClinVar variation 1719500 (VCV001719500.3), dbSNP rs762590242, ClinGen allele CA400483390.
Genomic context (GRCh38, chr17:61,744,582, plus strand): 5'-CTGTCTTCACCAACTCCAGATTATGCCATAAACCAGTAGAGAGCCAACGTTCTTTTAATT[T>C]TTCTAATAACTAAAGAGGGGAAAGAAAAAAATGATTTTTTGTGTGTCTAGCTAAACAAAC-3'
Protein context (NP_114432.2, residues 693-713): CFLPSYKLLE[Lys703Glu]LKERWLSTGL